The following is an entry in ClinVar:

ClinVar aggregate classification (germline): Uncertain significance. Review status: criteria provided, multiple submitters, no conflicts (2 of 4 stars). 3 submissions from 3 submitters: Uncertain significance (3). Last evaluated 2024-07-09.

Conditions:
Neuromuscular disease caused by qualitative or quantitative defects of dysferlin. Also called: Dysferlinopathy; Qualitative or quantitative defects of dysferlin. Identifiers: Orphanet 207073, MedGen C2931687, MONDO:0016145.

gnomAD v4.1: 8 of 1,613,766 alleles (0.0005%); highest among the groups gnomAD compares: Non-Finnish European, 0.00068%; no homozygotes.

Submissions (3):

Revvity Omics, Revvity
Classification: Uncertain significance. Last evaluated: 2024-07-09. Review status: criteria provided, single submitter. Criteria: ACMG Guidelines, 2015. Collection method: clinical testing. Allele origin: germline.

Athena Diagnostics
Classification: Uncertain significance. Last evaluated: 2023-10-25. Review status: criteria provided, single submitter. Criteria: Athena Diagnostics Criteria. Collection method: clinical testing. Allele origin: unknown.
Comment: Available data are insufficient to determine the clinical significance of the variant at this time. The frequency of this variant in the general population is uninformative in assessment of its pathogenicity. Computational tools predict that this variant is not damaging.

Labcorp Genetics (formerly Invitae), Labcorp
Classification: Uncertain significance for Neuromuscular disease caused by qualitative or quantitative defects of dysferlin. Last evaluated: 2022-06-30. Review status: criteria provided, single submitter. Criteria: Invitae Variant Classification Sherloc (09022015). Collection method: clinical testing. Allele origin: germline.
Comment: This sequence change replaces aspartic acid, which is acidic and polar, with glutamic acid, which is acidic and polar, at codon 2017 of the DYSF protein (p.Asp2017Glu). This variant is present in population databases (rs745783874, gnomAD 0.004%). This variant has not been reported in the literature in individuals affected with DYSF-related conditions. Advanced modeling of protein sequence and biophysical properties (such as structural, functional, and spatial information, amino acid conservation, physicochemical variation, residue mobility, and thermodynamic stability) performed at Invitae indicates that this missense variant is not expected to disrupt DYSF protein function. In summary, the available evidence is currently insufficient to determine the role of this variant in disease. Therefore, it has been classified as a Variant of Uncertain Significance.

NM_001130987.2(DYSF):c.6168C>A (p.Asp2056Glu)

Gene: DYSF (dysferlin; plus strand). Cytogenetic location: 2p13.2.
Variant type: single nucleotide variant.
Coding change: c.6168C>A on transcript NM_001130987.2 (MANE Select); coding-DNA position 6168, C replaced by A.
Protein change: p.Asp2056Glu; replaces aspartic acid 2056 with glutamic acid.
Molecular consequence: missense variant.
Genome position (GRCh38, 1-based): chr2:71,681,105, C>A. VCF-style: chr2-71681105-C-A. GRCh37 (hg19) VCF-style: chr2-71908235-C-A.
Other names: c.6051C>A (NM_003494.3); c.6054C>A, p.Asp2018Glu (NM_001130455.2); c.6009C>A, p.Asp2003Glu (NM_001130976.2); c.6072C>A, p.Asp2024Glu (NM_001130977.2); c.6114C>A, p.Asp2038Glu (NM_001130978.2); c.6144C>A, p.Asp2048Glu (NM_001130979.2); c.6102C>A, p.Asp2034Glu (NM_001130980.2); c.6165C>A, p.Asp2055Glu (NM_001130981.2); and 6 more; short protein forms D2024E, D2038E, D2018E, D2034E, D2039E, D2025E, D2035E, D2049E.
Identifiers: ClinVar variation 2049863 (VCV002049863.3), dbSNP rs745783874, ClinGen allele CA1707607.